The following is an entry in ClinVar:

NM_177438.3(DICER1):c.1143C>G (p.Leu381=)

Gene: DICER1 (dicer 1, ribonuclease III; minus strand). Cytogenetic location: 14q32.13.
Variant type: single nucleotide variant.
Coding change: c.1143C>G on transcript NM_177438.3 (MANE Select); coding-DNA position 1143, C replaced by G.
Protein change: p.Leu381=; no amino-acid change (leucine 381 retained).
Molecular consequence: synonymous variant.
Genome position (GRCh38, 1-based): chr14:95,124,429, G>C on the plus strand (C>G on the coding strand, the complement: DICER1 is on the minus strand). VCF-style: chr14-95124429-G-C. GRCh37 (hg19) VCF-style: chr14-95590766-G-C.
Other names: c.1143C>G, p.Leu381= (NM_001195573.1, NM_001271282.3, NM_001291628.2 and 1 more transcripts).
Identifiers: ClinVar variation 513836 (VCV000513836.16), dbSNP rs372592852, ClinGen allele CA7331522.

ClinVar aggregate classification (germline): Benign/Likely benign. Review status: criteria provided, multiple submitters, no conflicts (2 of 4 stars). 4 submissions from 4 submitters: Benign (1); Likely benign (3). Last evaluated 2026-08-19.

Conditions:
DICER1-related tumor predisposition. Also called: DICER1 syndrome; DICER1-related pleuropulmonary blastoma cancer predisposition syndrome. Identifiers: Orphanet 284343, MedGen C3839822, MONDO:0100216.
Hereditary cancer-predisposing syndrome. Also called: Tumor predisposition; Neoplastic Syndromes, Hereditary; Hereditary Cancer Syndrome; Hereditary neoplastic syndrome. Identifiers: Orphanet 140162, MedGen C0027672, MeSH D009386, MONDO:0015356.

gnomAD v4.1: 9 of 1,614,002 alleles (0.00056%); highest among the groups gnomAD compares: East Asian, 0.0022%; no homozygotes.

Submissions (4):

Myriad Genetics, Inc.
Classification: Benign for DICER1-related tumor predisposition. Last evaluated: 2026-08-19. Review status: criteria provided, single submitter. Criteria: Myriad Autosomal Dominant, Autosomal Recessive and X-Linked Classification Criteria (2023). Collection method: clinical testing. Allele origin: unknown.
Comment: This variant is considered benign. This variant is a silent/synonymous amino acid change and it is not expected to impact splicing.

Labcorp Genetics (formerly Invitae), Labcorp
Classification: Likely benign for DICER1-related tumor predisposition. Last evaluated: 2025-01-13. Review status: criteria provided, single submitter. Criteria: Invitae Variant Classification Sherloc (09022015). Collection method: clinical testing. Allele origin: germline.

Ambry Genetics
Classification: Likely benign for Hereditary cancer-predisposing syndrome. Last evaluated: 2018-10-24. Review status: criteria provided, single submitter. Criteria: Ambry Variant Classification Scheme 2023. Collection method: clinical testing. Allele origin: germline.

GeneDx
Classification: Likely benign. Last evaluated: 2017-11-30. Review status: criteria provided, single submitter. Criteria: GeneDx Variant Classification (06012015). Collection method: clinical testing. Allele origin: germline. Affected: yes.
Comment: This variant is considered likely benign or benign based on one or more of the following criteria: it is a conservative change, it occurs at a poorly conserved position in the protein, it is predicted to be benign by multiple in silico algorithms, and/or has population frequency not consistent with disease.